The following is an entry in ClinVar:

ClinVar aggregate classification (germline): Uncertain significance (1 of 4 stars; one submission).

Conditions:
Encephalopathy, acute, infection-induced (herpes-specific), susceptibility to, 1. Also called: Herpes simplex encephalitis, susceptibility to, 1. Identifiers: Orphanet 1930, MedGen C2750180, MONDO:0024563, OMIM 610551.

Allele frequency attached by ClinVar (database versions not stated): gnomAD 0.00001; gnomAD exomes below 0.00001.
gnomAD v4.1: 2 of 1,381,666 alleles (0.00014%); highest among the groups gnomAD compares: Non-Finnish European, 0.00019%; no homozygotes.

Submission:

Labcorp Genetics (formerly Invitae), Labcorp
Classification: Uncertain significance for Encephalopathy, acute, infection-induced (herpes-specific), susceptibility to, 1. Last evaluated: 2022-06-09. Review status: criteria provided, single submitter. Criteria: Invitae Variant Classification Sherloc (09022015). Collection method: clinical testing. Allele origin: germline.
Comment: In summary, the available evidence is currently insufficient to determine the role of this variant in disease. Therefore, it has been classified as a Variant of Uncertain Significance. Variants that disrupt the consensus splice site are a relatively common cause of aberrant splicing (PMID: 17576681, 9536098). Algorithms developed to predict the effect of sequence changes on RNA splicing suggest that this variant may create or strengthen a splice site. ClinVar contains an entry for this variant (Variation ID: 841496). This variant has not been reported in the literature in individuals affected with UNC93B1-related conditions. This variant is not present in population databases (gnomAD no frequency). This sequence change falls in intron 1 of the UNC93B1 gene. It does not directly change the encoded amino acid sequence of the UNC93B1 protein. It affects a nucleotide within the consensus splice site.

Literature cited by the submitters: PubMed 17576681; PubMed 9536098.

NM_030930.4(UNC93B1):c.96+3G>A

Gene: UNC93B1 (unc-93B1 regulator of TLR signaling; minus strand). Cytogenetic location: 11q13.2.
Variant type: single nucleotide variant.
Coding change: c.96+3G>A on transcript NM_030930.4 (MANE Select); 3 bases into the intron after coding-DNA position 96, G replaced by A.
Molecular consequence: intron variant.
Genome position (GRCh38, 1-based): chr11:68,003,945, C>T on the plus strand (G>A on the coding strand, the complement: UNC93B1 is on the minus strand). VCF-style: chr11-68003945-C-T. GRCh37 (hg19) VCF-style: chr11-67771415-C-T.
Identifiers: ClinVar variation 841496 (VCV000841496.8), dbSNP rs1271318369, ClinGen allele CA600238139.